The following is an entry in ClinVar:

NM_007294.4(BRCA1):c.2929C>T (p.Pro977Ser)

Gene: BRCA1 (BRCA1 DNA repair associated; minus strand). Cytogenetic location: 17q21.31.
Variant type: single nucleotide variant.
Coding change: c.2929C>T on transcript NM_007294.4 (MANE Select); coding-DNA position 2929, C replaced by T.
Protein change: p.Pro977Ser; replaces proline 977 with serine.
Molecular consequence: missense variant. On other transcripts: intron variant (137).
Genome position (GRCh38, 1-based): chr17:43,092,602, G>A on the plus strand (C>T on the coding strand, the complement: BRCA1 is on the minus strand). VCF-style: chr17-43092602-G-A. GRCh37 (hg19) VCF-style: chr17-41244619-G-A.
Other names: c.2716C>T, p.Pro906Ser (NM_001407571.1, NM_001407853.1, NM_001407894.1 and 9 more transcripts); c.2929C>T, p.Pro977Ser (NM_001407581.1, NM_001407582.1, NM_001407583.1 and 30 more transcripts); c.2926C>T, p.Pro976Ser (NM_001407587.1, NM_001407590.1, NM_001407591.1 and 22 more transcripts); c.2920C>T, p.Pro974Ser (NM_001407646.1, NM_001407647.1); c.2806C>T, p.Pro936Ser (NM_001407648.1, NM_001407664.1, NM_001407665.1 and 19 more transcripts); c.2803C>T, p.Pro935Ser (NM_001407649.1, NM_001407670.1, NM_001407671.1 and 11 more transcripts); c.2851C>T, p.Pro951Ser (NM_001407653.1, NM_001407654.1, NM_001407655.1 and 4 more transcripts); c.2848C>T, p.Pro950Ser (NM_001407659.1, NM_001407660.1, NM_001407661.1 and 1 more transcripts); and 41 more; short protein forms P977S, P930S, P850S, P866S, P907S, P910S, P929S, P936S.
Identifiers: ClinVar variation 419688 (VCV000419688.14), dbSNP rs1064794043, ClinGen allele CA10596134.

ClinVar aggregate classification (germline): Conflicting classifications of pathogenicity. Review status: criteria provided, conflicting classifications (1 of 4 stars). 4 submissions from 4 submitters: Uncertain significance (3); Likely benign (1). Last evaluated 2023-03-23.

Conditions:
Hereditary breast ovarian cancer syndrome. Also called: Hereditary breast and ovarian cancer; Hereditary breast and/or ovarian cancer syndrome; Hereditary breast and ovarian cancer syndrome; Hereditary breast and ovarian cancer syndrome (HBOC); Breast and ovarian cancer; BRCA1- and BRCA2-Associated Hereditary Breast and Ovarian Cancer. Identifiers: Orphanet 145, MedGen C0677776, MeSH D061325, MONDO:0003582. Disease mechanism: loss of function.
Hereditary cancer-predisposing syndrome. Also called: Hereditary neoplastic syndrome; Tumor predisposition; Neoplastic Syndromes, Hereditary; Hereditary Cancer Syndrome. Identifiers: Orphanet 140162, MedGen C0027672, MeSH D009386, MONDO:0015356.

Allele frequency attached by ClinVar (database versions not stated): gnomAD exomes below 0.00001.
gnomAD v4.1: 1 of 1,613,902 alleles (0.000062%); highest among the groups gnomAD compares: South Asian, 0.0011%; no homozygotes.

Submissions (4):

University of Washington Department of Laboratory Medicine, University of Washington
Classification: Likely benign for Hereditary cancer-predisposing syndrome. Last evaluated: 2023-03-23. Review status: criteria provided, single submitter. Criteria: Dines et al. (Genet Med. 2020). Collection method: curation. Allele origin: germline.
Comment: Missense variant in a coldspot region where missense variants are very unlikely to be pathogenic (PMID:31911673).

BRCA1 coldspot (exon 11 using historical exon numbering). Reclassification based on statistical prior probability

Labcorp Genetics (formerly Invitae), Labcorp
Classification: Uncertain significance for Hereditary breast ovarian cancer syndrome. Last evaluated: 2022-10-13. Review status: criteria provided, single submitter. Criteria: Invitae Variant Classification Sherloc (09022015). Collection method: clinical testing. Allele origin: germline.
Comment: In summary, the available evidence is currently insufficient to determine the role of this variant in disease. Therefore, it has been classified as a Variant of Uncertain Significance. Advanced modeling of protein sequence and biophysical properties (such as structural, functional, and spatial information, amino acid conservation, physicochemical variation, residue mobility, and thermodynamic stability) performed at Invitae indicates that this missense variant is not expected to disrupt BRCA1 protein function. ClinVar contains an entry for this variant (Variation ID: 419688). This variant has not been reported in the literature in individuals affected with BRCA1-related conditions. This variant is not present in population databases (gnomAD no frequency). This sequence change replaces proline, which is neutral and non-polar, with serine, which is neutral and polar, at codon 977 of the BRCA1 protein (p.Pro977Ser).

Ambry Genetics
Classification: Uncertain significance for Hereditary cancer-predisposing syndrome. Last evaluated: 2020-04-27. Review status: criteria provided, single submitter. Criteria: Ambry Variant Classification Scheme 2023. Collection method: clinical testing. Allele origin: germline.
Comment: The p.P977S variant (also known as c.2929C>T), located in coding exon 9 of the BRCA1 gene, results from a C to T substitution at nucleotide position 2929. The proline at codon 977 is replaced by serine, an amino acid with similar properties. This amino acid position is poorly conserved in available vertebrate species. In addition, this alteration is predicted to be tolerated by in silico analysis. Since supporting evidence is limited at this time, the clinical significance of this alteration remains unclear.

GeneDx
Classification: Uncertain significance. Last evaluated: 2015-08-10. Review status: criteria provided, single submitter. Criteria: GeneDx Variant Classification (06012015). Collection method: clinical testing. Allele origin: germline. Affected: yes.
Comment: This variant is denoted BRCA1 c.2929C>T at the cDNA level, p.Pro977Ser (P977S) at the protein level, and results in the change of a Proline to a Serine (CCA>TCA). Using alternate nomenclature, this variant would be defined as BRCA1 3048C>T. This variant has not, to our knowledge, been published in the literature as pathogenic or benign. BRCA1 Pro977Ser was not observed in approximately 6,500 individuals of European and African American ancestry in the NHLBI Exome Sequencing Project, indicating it is not a common benign variant in these populations. Since Proline and Serine differ in polarity, charge, size or other properties, this is considered a non-conservative amino acid substitution. BRCA1 Pro977Ser occurs at a position that is not conserved and is located within the RAD51 binding domain (Chen 1998). In silico analyses predict that this variant is unlikely to alter protein structure or function. Based on currently available information, it is unclear whether BRCA1 Pro977Ser is pathogenic or benign. We consider it to be a variant of uncertain significance.